The following is an entry in ClinVar:

NM_030952.3(NUAK2):c.1389C>T (p.Pro463=)

Gene: NUAK2 (NUAK family kinase 2; minus strand). Cytogenetic location: 1q32.1.
Variant type: single nucleotide variant.
Coding change: c.1389C>T on transcript NM_030952.3 (MANE Select); coding-DNA position 1389, C replaced by T.
Protein change: p.Pro463=; no amino-acid change (proline 463 retained).
Molecular consequence: synonymous variant.
Genome position (GRCh38, 1-based): chr1:205,303,948, G>A on the plus strand (C>T on the coding strand, the complement: NUAK2 is on the minus strand). VCF-style: chr1-205303948-G-A. GRCh37 (hg19) VCF-style: chr1-205273076-G-A.
Identifiers: ClinVar variation 2639851 (VCV002639851.24), dbSNP rs114413074, ClinGen allele CA1353837.
Genomic context (GRCh38, chr1:205,303,948, plus strand): 5'-GGGATCCCCACTCACAAACACGTCGCCTGCGTCCAAGAGCTCCCCAGATTCACTGGGCTC[G>A]GGAGAGGAGTAGTAGCCAGACTCGCGCTGTCGGGGCTTCTTGAGAATGCCCTTCTTGGGG-3'
Protein context (NP_112214.3, residues 453-473): RQRESGYYSS[Pro463=]EPSESGELLD

ClinVar aggregate classification (germline): Likely benign (1 of 4 stars; one submission).

Allele frequency attached by ClinVar (database versions not stated): ESP Exome Variant Server 0.00023; gnomAD exomes 0.00026; TOPMed 0.00027; gnomAD 0.00029; ExAC 0.00046; 1000 Genomes Project 30x 0.00062; 1000 Genomes Project 0.00080.
gnomAD v4.1: 449 of 1,613,946 alleles (0.028%); highest among the groups gnomAD compares: Middle Eastern, 0.48%; no homozygotes.

Submission:

CeGaT Center for Human Genetics Tuebingen
Classification: Likely benign. Last evaluated: 2022-12-01. Review status: criteria provided, single submitter. Criteria: CeGaT Center For Human Genetics Tuebingen Variant Classification Criteria Version 2. Collection method: clinical testing. Allele origin: germline. Affected: yes. Observed: 1 variant allele.
Comment: NUAK2: BP4, BP7